The following is an entry in ClinVar:

NM_004817.4(TJP2):c.46T>C (p.Ser16Pro)

Gene: TJP2 (tight junction protein 2; plus strand). Cytogenetic location: 9q21.11.
Variant type: single nucleotide variant.
Coding change: c.46T>C on transcript NM_004817.4 (MANE Select); coding-DNA position 46, T replaced by C.
Protein change: p.Ser16Pro; replaces serine 16 with proline.
Molecular consequence: missense variant. On other transcripts: intron variant (3).
Genome position (GRCh38, 1-based): chr9:69,174,418, T>C. VCF-style: chr9-69174418-T-C. GRCh37 (hg19) VCF-style: chr9-71789334-T-C.
Other names: c.46T>C, p.Ser16Pro (NM_001369872.1, NM_001369873.1, NM_201629.3); c.-10+22647T>C (NM_001170414.2, NM_001369870.1); c.-127-10669T>C (NM_001369871.1); short protein forms S16P.
Identifiers: ClinVar variation 4809239 (VCV004809239.1).
Genomic context (GRCh38, chr9:69,174,418, plus strand): 5'-GGACCTGTGTCCGAAATGCCGGTGCGAGGAGACCGCGGGTTTCCACCCCGGCGGGAGCTG[T>C]CAGGTTGGCTCCGCGTAAGTGCCTCCTTGTGCCGCGCGGTTGGGAGGAGGGTCGTGAGCG-3'
Protein context (NP_004808.2, residues 6-26): DRGFPPRREL[Ser16Pro]GWLRAPGMEE

ClinVar aggregate classification (germline): Uncertain significance (1 of 4 stars; one submission).

gnomAD v4.1: 2 of 1,551,512 alleles (0.00013%); highest among the groups gnomAD compares: Middle Eastern, 0.017%; no homozygotes.

Submission:

Labcorp Genetics (formerly Invitae), Labcorp
Classification: Uncertain significance. Last evaluated: 2025-12-14. Review status: criteria provided, single submitter. Criteria: Invitae Variant Classification Sherloc (09022015). Collection method: clinical testing. Allele origin: germline.
Comment: This sequence change replaces serine, which is neutral and polar, with proline, which is neutral and non-polar, at codon 16 of the TJP2 protein (p.Ser16Pro). This variant is not present in population databases (gnomAD no frequency). This variant has not been reported in the literature in individuals affected with TJP2-related conditions. An algorithm developed to predict the effect of missense changes on protein structure and function (PolyPhen-2) suggests that this variant is likely to be tolerated. In summary, the available evidence is currently insufficient to determine the role of this variant in disease. Therefore, it has been classified as a Variant of Uncertain Significance.